The following is an entry in ClinVar:

NM_001805.4(CEBPE):c.581A>C (p.His194Pro)

Gene: CEBPE (CCAAT enhancer binding protein epsilon; minus strand). Cytogenetic location: 14q11.2.
Variant type: single nucleotide variant.
Coding change: c.581A>C on transcript NM_001805.4 (MANE Select); coding-DNA position 581, A replaced by C.
Protein change: p.His194Pro; replaces histidine 194 with proline.
Molecular consequence: missense variant.
Genome position (GRCh38, 1-based): chr14:23,117,752, T>G on the plus strand (A>C on the coding strand, the complement: CEBPE is on the minus strand). VCF-style: chr14-23117752-T-G. GRCh37 (hg19) VCF-style: chr14-23586961-T-G.
Other names: short protein forms H194P.
Identifiers: ClinVar variation 1958117 (VCV001958117.6), dbSNP rs757986590, ClinGen allele CA7111144.

ClinVar aggregate classification (germline): Uncertain significance. Review status: criteria provided, multiple submitters, no conflicts (2 of 4 stars). 2 submissions from 2 submitters: Uncertain significance (2). Last evaluated 2025-06-09.

Conditions:
Specific granule deficiency. Identifiers: Orphanet 169142, MedGen C0398593, MONDO:0009506.
Inborn genetic diseases. Identifiers: MedGen C0950123, MeSH D030342.

Allele frequency attached by ClinVar (database versions not stated): gnomAD exomes 0.00001; ExAC 0.00004; gnomAD 0.00002; TOPMed 0.00002.

Submissions (2):

Labcorp Genetics (formerly Invitae), Labcorp
Classification: Uncertain significance for Specific granule deficiency. Last evaluated: 2025-06-09. Review status: criteria provided, single submitter. Criteria: Invitae Variant Classification Sherloc (09022015). Collection method: clinical testing. Allele origin: germline.
Comment: This sequence change replaces histidine, which is basic and polar, with proline, which is neutral and non-polar, at codon 194 of the CEBPE protein (p.His194Pro). This variant is present in population databases (rs757986590, gnomAD 0.1%). This variant has not been reported in the literature in individuals affected with CEBPE-related conditions. ClinVar contains an entry for this variant (Variation ID: 1958117). An algorithm developed to predict the effect of missense changes on protein structure and function (PolyPhen-2) suggests that this variant is likely to be disruptive. In summary, the available evidence is currently insufficient to determine the role of this variant in disease. Therefore, it has been classified as a Variant of Uncertain Significance.

Ambry Genetics
Classification: Uncertain significance for Inborn genetic diseases. Last evaluated: 2024-04-15. Review status: criteria provided, single submitter. Criteria: Ambry Variant Classification Scheme 2023. Collection method: clinical testing. Allele origin: germline.